The following is an entry in ClinVar:

NM_002294.3(LAMP2):c.713G>C (p.Gly238Ala)

Gene: LAMP2 (lysosome associated membrane protein 2; minus strand). Cytogenetic location: Xq24.
Variant type: single nucleotide variant.
Coding change: c.713G>C on transcript NM_002294.3 (MANE Select); coding-DNA position 713, G replaced by C.
Protein change: p.Gly238Ala; replaces glycine 238 with alanine.
Molecular consequence: missense variant.
Genome position (GRCh38, 1-based): chrX:120,447,869, C>G on the plus strand (G>C on the coding strand, the complement: LAMP2 is on the minus strand). VCF-style: chrX-120447869-C-G. GRCh37 (hg19) VCF-style: chrX-119581724-C-G.
Other names: c.713G>C, p.Gly238Ala (NM_001122606.1, NM_013995.2); short protein forms G238A.
Identifiers: ClinVar variation 2754143 (VCV002754143.3), dbSNP rs1353201173, ClinGen allele CA414401234.

ClinVar aggregate classification (germline): Uncertain significance (1 of 4 stars; one submission).

Conditions:
Danon disease. Also called: PSEUDOGLYCOGENOSIS II; GSD IIb; LYSOSOMAL GLYCOGEN STORAGE DISEASE WITHOUT ACID MALTASE DEFICIENCY; Glycogen Storage Disease Type IIb; ANTOPOL DISEASE. Identifiers: Orphanet 34587, MedGen C0878677, MONDO:0010281, OMIM 300257.

Submission:

Labcorp Genetics (formerly Invitae), Labcorp
Classification: Uncertain significance for Danon disease. Last evaluated: 2023-08-20. Review status: criteria provided, single submitter. Criteria: Invitae Variant Classification Sherloc (09022015). Collection method: clinical testing. Allele origin: germline.
Comment: In summary, the available evidence is currently insufficient to determine the role of this variant in disease. Therefore, it has been classified as a Variant of Uncertain Significance. This sequence change replaces glycine, which is neutral and non-polar, with alanine, which is neutral and non-polar, at codon 238 of the LAMP2 protein (p.Gly238Ala). This variant is not present in population databases (gnomAD no frequency). This variant has not been reported in the literature in individuals affected with LAMP2-related conditions. Advanced modeling of protein sequence and biophysical properties (such as structural, functional, and spatial information, amino acid conservation, physicochemical variation, residue mobility, and thermodynamic stability) performed at Invitae indicates that this missense variant is not expected to disrupt LAMP2 protein function.